The following is an entry in ClinVar:

ClinVar aggregate classification (germline): Uncertain significance (1 of 4 stars; one submission).

Allele frequency attached by ClinVar (database versions not stated): gnomAD exomes below 0.00001; ExAC 0.00001.
gnomAD v4.1: 7 of 1,614,152 alleles (0.00043%); highest among the groups gnomAD compares: South Asian, 0.0011%; no homozygotes.

Submission:

Labcorp Genetics (formerly Invitae), Labcorp
Classification: Uncertain significance. Last evaluated: 2022-08-21. Review status: criteria provided, single submitter. Criteria: Invitae Variant Classification Sherloc (09022015). Collection method: clinical testing. Allele origin: germline.
Comment: In summary, the available evidence is currently insufficient to determine the role of this variant in disease. Therefore, it has been classified as a Variant of Uncertain Significance. Algorithms developed to predict the effect of missense changes on protein structure and function (SIFT, PolyPhen-2, Align-GVGD) all suggest that this variant is likely to be disruptive. This variant has not been reported in the literature in individuals affected with ATRN-related conditions. This variant is present in population databases (rs760626693, gnomAD 0.003%). This sequence change replaces arginine, which is basic and polar, with tryptophan, which is neutral and slightly polar, at codon 860 of the ATRN protein (p.Arg860Trp).

NM_139321.3(ATRN):c.2578C>T (p.Arg860Trp)

Gene: ATRN (attractin; plus strand). Cytogenetic location: 20p13.
Variant type: single nucleotide variant.
Coding change: c.2578C>T on transcript NM_139321.3 (MANE Select); coding-DNA position 2578, C replaced by T.
Protein change: p.Arg860Trp; replaces arginine 860 with tryptophan.
Molecular consequence: missense variant.
Genome position (GRCh38, 1-based): chr20:3,582,168, C>T. VCF-style: chr20-3582168-C-T. GRCh37 (hg19) VCF-style: chr20-3562815-C-T.
Other names: c.2230C>T, p.Arg744Trp (NM_001207047.3); c.2578C>T, p.Arg860Trp (NM_001323332.2, NM_139322.4); short protein forms R744W, R860W.
Identifiers: ClinVar variation 1997357 (VCV001997357.4), dbSNP rs760626693, ClinGen allele CA9744314.